The following is an entry in ClinVar:

ClinVar aggregate classification (germline): Uncertain significance. Review status: criteria provided, multiple submitters, no conflicts (2 of 4 stars). 2 submissions from 2 submitters: Uncertain significance (2). Last evaluated 2025-02-27.

Allele frequency attached by ClinVar (database versions not stated): TOPMed 0.00003; gnomAD 0.00003; gnomAD exomes 0.00002; ExAC 0.00002.
gnomAD v4.1: 42 of 1,614,026 alleles (0.0026%); highest among the groups gnomAD compares: African/African-American, 0.0053%; no homozygotes.

Submissions (2):

Labcorp Genetics (formerly Invitae), Labcorp
Classification: Uncertain significance. Last evaluated: 2025-02-27. Review status: criteria provided, single submitter. Criteria: Invitae Variant Classification Sherloc (09022015). Collection method: clinical testing. Allele origin: germline.
Comment: This sequence change replaces arginine, which is basic and polar, with tryptophan, which is neutral and slightly polar, at codon 451 of the RFWD3 protein (p.Arg451Trp). This variant is present in population databases (rs759914662, gnomAD 0.008%). This variant has not been reported in the literature in individuals affected with RFWD3-related conditions. ClinVar contains an entry for this variant (Variation ID: 2693819). An algorithm developed to predict the effect of missense changes on protein structure and function (PolyPhen-2) suggests that this variant is likely to be disruptive. In summary, the available evidence is currently insufficient to determine the role of this variant in disease. Therefore, it has been classified as a Variant of Uncertain Significance.

Ambry Genetics
Classification: Uncertain significance. Last evaluated: 2025-01-02. Review status: criteria provided, single submitter. Criteria: Ambry Variant Classification Scheme 2023. Collection method: clinical testing. Allele origin: germline.

NM_018124.4(RFWD3):c.1351C>T (p.Arg451Trp)

Gene: RFWD3 (ring finger and WD repeat domain 3; minus strand). Cytogenetic location: 16q23.1.
Variant type: single nucleotide variant.
Coding change: c.1351C>T on transcript NM_018124.4 (MANE Select); coding-DNA position 1351, C replaced by T.
Protein change: p.Arg451Trp; replaces arginine 451 with tryptophan.
Molecular consequence: missense variant.
Genome position (GRCh38, 1-based): chr16:74,636,421, G>A on the plus strand (C>T on the coding strand, the complement: RFWD3 is on the minus strand). VCF-style: chr16-74636421-G-A. GRCh37 (hg19) VCF-style: chr16-74670319-G-A.
Other names: c.1351C>T, p.Arg451Trp (NM_001370534.1, NM_001370535.1, NM_001370536.1); c.517C>T, p.Arg173Trp (NM_001370537.1, NM_001370539.1, NM_001370540.1 and 3 more transcripts); c.1351C>T (NM_018124.3); short protein forms R173W, R451W.
Identifiers: ClinVar variation 2693819 (VCV002693819.4), dbSNP rs759914662, ClinGen allele CA8169243.